The following is an entry in ClinVar:

ClinVar aggregate classification (germline): Likely pathogenic (1 of 4 stars; one submission).

Conditions:
Dyskeratosis congenita. Identifiers: Orphanet 1775, MedGen C0265965, MONDO:0015780.

Allele frequency attached by ClinVar (database versions not stated): gnomAD 0.00001.
gnomAD v4.1: 1 of 1,613,476 alleles (0.000062%); highest among the groups gnomAD compares: African/African-American, 0.0013%; no homozygotes.

Submission:

Labcorp Genetics (formerly Invitae), Labcorp
Classification: Likely pathogenic for Dyskeratosis congenita. Last evaluated: 2025-09-13. Review status: criteria provided, single submitter. Criteria: Invitae Variant Classification Sherloc (09022015). Collection method: clinical testing. Allele origin: germline.
Comment: This sequence change affects a donor splice site in intron 20 of the CTC1 gene. It is expected to disrupt RNA splicing. Variants that disrupt the donor or acceptor splice site typically lead to a loss of protein function (PMID: 16199547), and loss-of-function variants in CTC1 are known to be pathogenic (PMID: 22267198, 22387016). This variant is present in population databases (no rsID available, gnomAD 0.01%). This variant has not been reported in the literature in individuals affected with CTC1-related conditions. ClinVar contains an entry for this variant (Variation ID: 2890441). Algorithms developed to predict the effect of sequence changes on RNA splicing suggest that this variant may disrupt the consensus splice site. In summary, the currently available evidence indicates that the variant is pathogenic, but additional data are needed to prove that conclusively. Therefore, this variant has been classified as Likely Pathogenic.

Literature cited by the submitters: PubMed 16199547; PubMed 22267198; PubMed 22387016.

NM_025099.6(CTC1):c.3221+2T>C

Gene: CTC1 (CST telomere replication complex component 1; minus strand). Cytogenetic location: 17p13.1.
Variant type: single nucleotide variant.
Coding change: c.3221+2T>C on transcript NM_025099.6 (MANE Select); the canonical splice donor site of the intron after coding-DNA position 3221, T replaced by C.
Molecular consequence: splice donor variant. On other transcripts: intron variant (1).
Genome position (GRCh38, 1-based): chr17:8,229,140, A>G on the plus strand (T>C on the coding strand, the complement: CTC1 is on the minus strand). VCF-style: chr17-8229140-A-G. GRCh37 (hg19) VCF-style: chr17-8132458-A-G.
Other names: c.3156+162T>C (NM_001411067.1).
Identifiers: ClinVar variation 2890441 (VCV002890441.3), dbSNP rs1381641458, ClinGen allele CA397969552.